The following is an entry in ClinVar:

ClinVar aggregate classification (germline): Uncertain significance (1 of 4 stars; one submission).

gnomAD v4.1: 6 of 1,613,816 alleles (0.00037%); highest among the groups gnomAD compares: Non-Finnish European, 0.00034%; no homozygotes.

Submission:

GeneDx
Classification: Uncertain significance. Last evaluated: 2023-10-18. Review status: criteria provided, single submitter. Criteria: GeneDx Variant Classification Process June 2021. Collection method: clinical testing. Allele origin: germline. Affected: yes.
Comment: Not observed at significant frequency in large population cohorts (gnomAD); In silico analysis supports that this missense variant has a deleterious effect on protein structure/function; Has not been previously published as pathogenic or benign to our knowledge

NM_019066.5(MAGEL2):c.3560G>A (p.Arg1187Gln)

Gene: MAGEL2 (MAGE family member L2; minus strand). Cytogenetic location: 15q11.2.
Variant type: single nucleotide variant.
Coding change: c.3560G>A on transcript NM_019066.5 (MANE Select); coding-DNA position 3560, G replaced by A.
Protein change: p.Arg1187Gln; replaces arginine 1187 with glutamine.
Molecular consequence: missense variant.
Genome position (GRCh38, 1-based): chr15:23,644,183, C>T on the plus strand (G>A on the coding strand, the complement: MAGEL2 is on the minus strand). VCF-style: chr15-23644183-C-T. GRCh37 (hg19) VCF-style: chr15-23889330-C-T.
Other names: short protein forms R1187Q.
Identifiers: ClinVar variation 3366244 (VCV003366244.1).
Genomic context (GRCh38, chr15:23,644,183, plus strand): 5'-TTCTTATGGAGCTTGGCCAAAAACCTCAGGACAAGCATCTTGCTGGTTTCCAGGAATGCT[C>T]GAGGGCCCCAGAGGAACTCATACTCTGCGGGCTCAGTGTAAGGGATTCGCCTGTACTCTA-3'
Protein context (NP_061939.3, residues 1177-1197): PAEYEFLWGP[Arg1187Gln]AFLETSKMLV